The following is an entry in ClinVar:

NM_025144.4(ALPK1):c.2884C>A (p.Pro962Thr)

Gene: ALPK1 (alpha kinase 1; plus strand). Cytogenetic location: 4q25.
Variant type: single nucleotide variant.
Coding change: c.2884C>A on transcript NM_025144.4 (MANE Select); coding-DNA position 2884, C replaced by A.
Protein change: p.Pro962Thr; replaces proline 962 with threonine.
Molecular consequence: missense variant.
Genome position (GRCh38, 1-based): chr4:112,432,431, C>A. VCF-style: chr4-112432431-C-A. GRCh37 (hg19) VCF-style: chr4-113353587-C-A.
Other names: c.2884C>A, p.Pro962Thr (NM_001102406.2); c.2650C>A, p.Pro884Thr (NM_001253884.2); short protein forms P962T, P884T.
Identifiers: ClinVar variation 4779185 (VCV004779185.1).

ClinVar aggregate classification (germline): Uncertain significance (1 of 4 stars; one submission).

gnomAD v4.1: 1 of 1,614,044 alleles (0.000062%); highest among the groups gnomAD compares: African/African-American, 0.0013%; no homozygotes.

Submission:

Labcorp Genetics (formerly Invitae), Labcorp
Classification: Uncertain significance. Last evaluated: 2026-02-01. Review status: criteria provided, single submitter. Criteria: Invitae Variant Classification Sherloc (09022015). Collection method: clinical testing. Allele origin: germline.
Comment: This sequence change replaces proline, which is neutral and non-polar, with threonine, which is neutral and polar, at codon 962 of the ALPK1 protein (p.Pro962Thr). This variant is not present in population databases (gnomAD no frequency). This variant has not been reported in the literature in individuals affected with ALPK1-related conditions. Invitae Evidence Modeling of protein sequence and biophysical properties (such as structural, functional, and spatial information, amino acid conservation, physicochemical variation, residue mobility, and thermodynamic stability) indicates that this missense variant is not expected to disrupt ALPK1 protein function with a negative predictive value of 80%. In summary, the available evidence is currently insufficient to determine the role of this variant in disease. Therefore, it has been classified as a Variant of Uncertain Significance.